The following is an entry in ClinVar:

ClinVar aggregate classification (germline): Likely pathogenic (1 of 4 stars; one submission).

Conditions:
RAD51C-related cancer predisposition. Identifiers: MedGen CN377762, MONDO:0700273.

Submission:

Institute for Genomic Medicine (IGM) Clinical Laboratory, Nationwide Children's Hospital
Classification: Likely pathogenic for RAD51C-related cancer predisposition. Last evaluated: 2022-07-12. Review status: criteria provided, single submitter. Criteria: ACMG Guidelines, 2015. Collection method: clinical testing. Allele origin: germline.
Comment: This variant is predicted to result in loss of function through nonsense-mediated decay of the encoded transcript or premature truncation of the encoded protein in a gene in which loss of function is a known mechanism of disease (ACMG/AMP: PVS1). This variant is absent from or present at an exceedingly low frequency in gnomAD, a large-scale control population database (ACMG/AMP: PM2).

NM_058216.3(RAD51C):c.572-2A>C

Gene: RAD51C (RAD51 paralog C; plus strand). Cytogenetic location: 17q22.
Variant type: single nucleotide variant.
Coding change: c.572-2A>C on transcript NM_058216.3 (MANE Select); the canonical splice acceptor site of the intron before coding-DNA position 572, A replaced by C.
Molecular consequence: splice acceptor variant.
Genome position (GRCh38, 1-based): chr17:58,703,194, A>C. VCF-style: chr17-58703194-A-C. GRCh37 (hg19) VCF-style: chr17-56780555-A-C.
Identifiers: ClinVar variation 4759310 (VCV004759310.1).